The following is an entry in ClinVar:

ClinVar aggregate classification (germline): Pathogenic (1 of 4 stars; one submission).

Submission:

Labcorp Genetics (formerly Invitae), Labcorp
Classification: Pathogenic. Last evaluated: 2022-10-03. Review status: criteria provided, single submitter. Criteria: Invitae Variant Classification Sherloc (09022015). Collection method: clinical testing. Allele origin: germline.
Comment: This variant is not present in population databases (gnomAD no frequency). This sequence change creates a premature translational stop signal (p.Cys3223*) in the USH2A gene. It is expected to result in an absent or disrupted protein product. Loss-of-function variants in USH2A are known to be pathogenic (PMID: 10729113, 10909849, 20507924, 25649381). This variant has not been reported in the literature in individuals affected with USH2A-related conditions. For these reasons, this variant has been classified as Pathogenic.

Literature cited by the submitters: PubMed 10729113; PubMed 10909849; PubMed 20507924; PubMed 25649381.

NM_206933.4(USH2A):c.9669T>A (p.Cys3223Ter)

Gene: USH2A (usherin; minus strand). Cytogenetic location: 1q41.
Variant type: single nucleotide variant.
Coding change: c.9669T>A on transcript NM_206933.4 (MANE Select); coding-DNA position 9669, T replaced by A.
Protein change: p.Cys3223Ter; replaces cysteine 3223 with a stop codon.
Molecular consequence: nonsense.
Genome position (GRCh38, 1-based): chr1:215,813,806, A>T on the plus strand (T>A on the coding strand, the complement: USH2A is on the minus strand). VCF-style: chr1-215813806-A-T. GRCh37 (hg19) VCF-style: chr1-215987148-A-T.
Other names: short protein forms C3223*.
Identifiers: ClinVar variation 2032815 (VCV002032815.4), dbSNP rs2464509310, ClinGen allele CA344821791.